The following is an entry in ClinVar:

ClinVar aggregate classification (germline): Uncertain significance (1 of 4 stars; one submission).

Conditions:
Ichthyosis linearis circumflexa. Identifiers: MedGen C0265962, MONDO:0043106, HP:0025810.

Allele frequency attached by ClinVar (database versions not stated): gnomAD exomes below 0.00001; TOPMed below 0.00001.
gnomAD v4.1: 1 of 1,613,814 alleles (0.000062%); highest among the groups gnomAD compares: African/African-American, 0.0013%; no homozygotes.

Submission:

Labcorp Genetics (formerly Invitae), Labcorp
Classification: Uncertain significance for Ichthyosis linearis circumflexa. Last evaluated: 2023-07-10. Review status: criteria provided, single submitter. Criteria: Invitae Variant Classification Sherloc (09022015). Collection method: clinical testing. Allele origin: germline.
Comment: In summary, the available evidence is currently insufficient to determine the role of this variant in disease. Therefore, it has been classified as a Variant of Uncertain Significance. Advanced modeling of protein sequence and biophysical properties (such as structural, functional, and spatial information, amino acid conservation, physicochemical variation, residue mobility, and thermodynamic stability) performed at Invitae indicates that this missense variant is not expected to disrupt SPINK5 protein function. ClinVar contains an entry for this variant (Variation ID: 1927050). This variant has not been reported in the literature in individuals affected with SPINK5-related conditions. This variant is not present in population databases (gnomAD no frequency). This sequence change replaces phenylalanine, which is neutral and non-polar, with leucine, which is neutral and non-polar, at codon 450 of the SPINK5 protein (p.Phe450Leu).

NM_006846.4(SPINK5):c.1348T>C (p.Phe450Leu)

Gene: SPINK5 (serine peptidase inhibitor Kazal type 5; plus strand). Cytogenetic location: 5q32.
Variant type: single nucleotide variant.
Coding change: c.1348T>C on transcript NM_006846.4 (MANE Select); coding-DNA position 1348, T replaced by C.
Protein change: p.Phe450Leu; replaces phenylalanine 450 with leucine.
Molecular consequence: missense variant.
Genome position (GRCh38, 1-based): chr5:148,101,826, T>C. VCF-style: chr5-148101826-T-C. GRCh37 (hg19) VCF-style: chr5-147481389-T-C.
Other names: c.1348T>C, p.Phe450Leu (NM_001127698.2, NM_001127699.2); short protein forms F450L.
Identifiers: ClinVar variation 1927050 (VCV001927050.5), dbSNP rs1753653672, ClinGen allele CA361637217.